The following is an entry in ClinVar:

NM_003079.5(SMARCE1):c.237G>A (p.Lys79=)

Gene: SMARCE1 (SWI/SNF related BAF chromatin remodeling complex subunit E1; minus strand). Cytogenetic location: 17q21.2.
Variant type: single nucleotide variant.
Coding change: c.237G>A on transcript NM_003079.5 (MANE Select); coding-DNA position 237, G replaced by A.
Protein change: p.Lys79=; no amino-acid change (lysine 79 retained).
Molecular consequence: synonymous variant.
Genome position (GRCh38, 1-based): chr17:40,637,492, C>T on the plus strand (G>A on the coding strand, the complement: SMARCE1 is on the minus strand). VCF-style: chr17-40637492-C-T. GRCh37 (hg19) VCF-style: chr17-38793744-C-T.
Identifiers: ClinVar variation 1971631 (VCV001971631.5), dbSNP rs2508606679, ClinGen allele CA499964626.

ClinVar aggregate classification (germline): Uncertain significance (1 of 4 stars; one submission).

Conditions:
Familial meningioma. Also called: Meningioma, familial, susceptibility to. Identifiers: Orphanet 263662, MedGen C3551915, MONDO:0011789, OMIM 607174.

Submission:

Labcorp Genetics (formerly Invitae), Labcorp
Classification: Uncertain significance for Familial meningioma. Last evaluated: 2024-03-10. Review status: criteria provided, single submitter. Criteria: Invitae Variant Classification Sherloc (09022015). Collection method: clinical testing. Allele origin: germline.
Comment: This sequence change affects codon 79 of the SMARCE1 mRNA. It is a 'silent' change, meaning that it does not change the encoded amino acid sequence of the SMARCE1 protein. This variant also falls at the last nucleotide of exon 5, which is part of the consensus splice site for this exon. This variant is not present in population databases (gnomAD no frequency). This variant has not been reported in the literature in individuals affected with SMARCE1-related conditions. ClinVar contains an entry for this variant (Variation ID: 1971631). Variants that disrupt the consensus splice site are a relatively common cause of aberrant splicing (PMID: 17576681, 9536098). Algorithms developed to predict the effect of sequence changes on RNA splicing suggest that this variant may disrupt the consensus splice site. In summary, the available evidence is currently insufficient to determine the role of this variant in disease. Therefore, it has been classified as a Variant of Uncertain Significance.

Literature cited by the submitters: PubMed 17576681; PubMed 9536098.